The following is an entry in ClinVar:

ClinVar aggregate classification (germline): Uncertain significance (1 of 4 stars; one submission).

Allele frequency attached by ClinVar (database versions not stated): TOPMed below 0.00001; gnomAD 0.00001; gnomAD exomes 0.00002; ExAC 0.00003; 1000 Genomes Project 0.00020; 1000 Genomes Project 30x 0.00031.
gnomAD v4.1: 34 of 1,613,926 alleles (0.0021%); highest among the groups gnomAD compares: South Asian, 0.029%; no homozygotes.

Submission:

Labcorp Genetics (formerly Invitae), Labcorp
Classification: Uncertain significance. Last evaluated: 2023-05-26. Review status: criteria provided, single submitter. Criteria: Invitae Variant Classification Sherloc (09022015). Collection method: clinical testing. Allele origin: germline.
Comment: In summary, the available evidence is currently insufficient to determine the role of this variant in disease. Therefore, it has been classified as a Variant of Uncertain Significance. Advanced modeling of protein sequence and biophysical properties (such as structural, functional, and spatial information, amino acid conservation, physicochemical variation, residue mobility, and thermodynamic stability) performed at Invitae indicates that this missense variant is not expected to disrupt SGMS2 protein function. This variant has not been reported in the literature in individuals affected with SGMS2-related conditions. This variant is present in population databases (rs556597938, gnomAD 0.02%). This sequence change replaces glutamic acid, which is acidic and polar, with lysine, which is basic and polar, at codon 271 of the SGMS2 protein (p.Glu271Lys).

NM_001375905.1(SGMS2):c.811G>A (p.Glu271Lys)

Genes: CYP2U1-AS1 (CYP2U1 and SGMS2 antisense RNA 1; minus strand), SGMS2 (sphingomyelin synthase 2; plus strand). Cytogenetic location: 4q25.
Variant type: single nucleotide variant.
Coding change: c.811G>A on transcript NM_001375905.1 (MANE Select); coding-DNA position 811, G replaced by A.
Protein change: p.Glu271Lys; replaces glutamic acid 271 with lysine.
Molecular consequence: missense variant. On other transcripts: intron variant (1).
Genome position (GRCh38, 1-based): chr4:107,908,648, G>A. VCF-style: chr4-107908648-G-A. GRCh37 (hg19) VCF-style: chr4-108829804-G-A.
Other names: c.811G>A, p.Glu271Lys (NM_001136257.2, NM_001136258.2, NM_001375906.1 and 3 more transcripts); c.292G>A, p.Glu98Lys (NM_001375911.1); c.728-1702G>A (NM_001375910.1); short protein forms E98K, E271K.
Identifiers: ClinVar variation 2848359 (VCV002848359.3), dbSNP rs556597938, ClinGen allele CA3036876.